The following is an entry in ClinVar:

ClinVar aggregate classification (germline): Uncertain significance (1 of 4 stars; one submission).

Conditions:
Marshall-Smith syndrome (MRSHSS). Identifiers: Orphanet 561, MedGen C0265211, MONDO:0011244, OMIM 602535.
Malan overgrowth syndrome (MALNS). Also called: Sotos syndrome 2; MALAN SYNDROME; NFIX-Related Malan Syndrome. Identifiers: Orphanet 420179, MedGen C3553660, MONDO:0013885, OMIM 614753.

Submission:

Labcorp Genetics (formerly Invitae), Labcorp
Classification: Uncertain significance for Malan overgrowth syndrome; Marshall-Smith syndrome. Last evaluated: 2023-05-15. Review status: criteria provided, single submitter. Criteria: Invitae Variant Classification Sherloc (09022015). Collection method: clinical testing. Allele origin: germline.
Comment: In summary, the available evidence is currently insufficient to determine the role of this variant in disease. Therefore, it has been classified as a Variant of Uncertain Significance. Variants that disrupt the consensus splice site are a relatively common cause of aberrant splicing (PMID: 17576681, 9536098). Algorithms developed to predict the effect of sequence changes on RNA splicing suggest that this variant is not likely to affect RNA splicing. ClinVar contains an entry for this variant (Variation ID: 2007846). This variant has not been reported in the literature in individuals affected with NFIX-related conditions. This variant is not present in population databases (gnomAD no frequency). This sequence change falls in intron 5 of the NFIX gene. It does not directly change the encoded amino acid sequence of the NFIX protein. It affects a nucleotide within the consensus splice site.

Literature cited by the submitters: PubMed 17576681; PubMed 9536098.

NM_001365902.3(NFIX):c.819-3C>T

Gene: NFIX (nuclear factor I X; plus strand). Cytogenetic location: 19p13.13.
Variant type: single nucleotide variant.
Coding change: c.819-3C>T on transcript NM_001365902.3 (MANE Select); 3 bases into the intron before coding-DNA position 819, C replaced by T.
Molecular consequence: intron variant.
Genome position (GRCh38, 1-based): chr19:13,075,532, C>T. VCF-style: chr19-13075532-C-T. GRCh37 (hg19) VCF-style: chr19-13186346-C-T.
Other names: c.819-3C>T (NM_002501.4, NM_001365982.2); c.795-3C>T (NM_001378404.1, NM_001271044.3); c.867-3C>T (NM_001378405.1); c.678-3C>T (NM_001365983.2); c.843-3C>T (NM_001271043.2); c.816-3C>T (NM_001365984.2, NM_001365985.2).
Identifiers: ClinVar variation 2007846 (VCV002007846.4), dbSNP rs2512951590, ClinGen allele CA2580096542.
Genomic context (GRCh38, chr19:13,075,532, plus strand): 5'-CTTGGTCACTCCCTGGAGCCTCAGCCCATCCTTGGCCCATGTGACCCTTTCTTTCTTCCC[C>T]AGCACCACCAAGCGCCCCAAGTCCATCGATGACAGTGAGATGGAGAGCCCTGTTGATGAC-3'